The following is an entry in ClinVar:

ClinVar aggregate classification (germline): Uncertain significance. Review status: criteria provided, multiple submitters, no conflicts (2 of 4 stars). 2 submissions from 2 submitters: Uncertain significance (2). Last evaluated 2025-11-19.

Conditions:
Immunodeficiency. Identifiers: MedGen C0021051, MONDO:0021094, HP:0002721.

Allele frequency attached by ClinVar (database versions not stated): ExAC 0.00009; TOPMed 0.00010; gnomAD 0.00012 and 0.00014; gnomAD exomes 0.00017 and 0.00030; ESP Exome Variant Server 0.00054.
gnomAD v4.1: 498 of 1,602,266 alleles (0.031%); highest among the groups gnomAD compares: Non-Finnish European, 0.036%; no homozygotes.

Submissions (2):

Ambry Genetics
Classification: Uncertain significance. Last evaluated: 2025-11-19. Review status: criteria provided, single submitter. Criteria: Ambry Variant Classification Scheme 2023. Collection method: clinical testing. Allele origin: germline.

Labcorp Genetics (formerly Invitae), Labcorp
Classification: Uncertain significance for Immunodeficiency. Last evaluated: 2025-11-18. Review status: criteria provided, single submitter. Criteria: Invitae Variant Classification Sherloc (09022015). Collection method: clinical testing. Allele origin: germline.
Comment: This sequence change replaces proline, which is neutral and non-polar, with serine, which is neutral and polar, at codon 513 of the NFAT5 protein (p.Pro513Ser). This variant is present in population databases (rs150038450, gnomAD 0.04%), and has an allele count higher than expected for a pathogenic variant. This variant has not been reported in the literature in individuals affected with NFAT5-related conditions. ClinVar contains an entry for this variant (Variation ID: 655269). An algorithm developed to predict the effect of missense changes on protein structure and function outputs the following: PolyPhen-2: "Benign". The serine amino acid residue is found in multiple mammalian species, which suggests that this missense change does not adversely affect protein function. In summary, the available evidence is currently insufficient to determine the role of this variant in disease. Therefore, it has been classified as a Variant of Uncertain Significance.

NM_138713.4(NFAT5):c.1819C>T (p.Pro607Ser)

Gene: NFAT5 (nuclear factor of activated T cells 5; plus strand). Cytogenetic location: 16q22.1.
Variant type: single nucleotide variant.
Coding change: c.1819C>T on transcript NM_138713.4 (MANE Select); coding-DNA position 1819, C replaced by T.
Protein change: p.Pro607Ser; replaces proline 607 with serine.
Molecular consequence: missense variant.
Genome position (GRCh38, 1-based): chr16:69,690,984, C>T. VCF-style: chr16-69690984-C-T. GRCh37 (hg19) VCF-style: chr16-69724887-C-T.
Other names: c.1819C>T (NM_138713.3); c.1819C>T, p.Pro607Ser (LRG_1332t1); c.1816C>T, p.Pro606Ser (NM_001113178.3); c.1144C>T, p.Pro382Ser (NM_001367709.1); c.1765C>T, p.Pro589Ser (NM_006599.4); c.1537C>T, p.Pro513Ser (NM_138714.4, NM_173214.3, NM_173215.3); short protein forms P513S, P607S, P382S, P589S, P606S.
Identifiers: ClinVar variation 655269 (VCV000655269.11), dbSNP rs150038450, ClinGen allele CA8135665.